The following is an entry in ClinVar:

NM_001130965.3(SUN1):c.898T>G (p.Phe300Val)

Gene: SUN1 (Sad1 and UNC84 domain containing 1; plus strand). Cytogenetic location: 7p22.3.
Variant type: single nucleotide variant.
Coding change: c.898T>G on transcript NM_001130965.3 (MANE Select); coding-DNA position 898, T replaced by G.
Protein change: p.Phe300Val; replaces phenylalanine 300 with valine.
Molecular consequence: missense variant. On other transcripts: non-coding transcript variant (3).
Genome position (GRCh38, 1-based): chr7:852,655, T>G. VCF-style: chr7-852655-T-G. GRCh37 (hg19) VCF-style: chr7-892292-T-G.
Other names: c.592T>G, p.Phe198Val (NM_001171944.2); c.898T>G, p.Phe300Val (NM_001367633.1, NM_001367634.1, NM_001367653.1 and 3 more transcripts); c.547T>G, p.Phe183Val (NM_001367635.1); c.1141T>G, p.Phe381Val (NM_001367636.1, NM_001367655.1, NM_001367691.1 and 1 more transcripts); c.1009T>G, p.Phe337Val (NM_001367638.1, NM_001367696.1, NM_001367664.1 and 1 more transcripts); c.442T>G, p.Phe148Val (NM_001367639.1); c.1081T>G, p.Phe361Val (NM_001367640.1, NM_001367675.1, NM_001367676.1); c.1180T>G, p.Phe394Val (NM_001367641.1, NM_001367698.1, NM_001367682.1); and 25 more; short protein forms F111V, F198V, F250V, F300V, F315V, F316V, F337V, F370V.
Identifiers: ClinVar variation 2043216 (VCV002043216.5), dbSNP rs371348168, ClinGen allele CA4111976.

ClinVar aggregate classification (germline): Uncertain significance. Review status: criteria provided, multiple submitters, no conflicts (2 of 4 stars). 2 submissions from 2 submitters: Uncertain significance (2). Last evaluated 2025-11-13.

Conditions:
Emery-Dreifuss muscular dystrophy (EDMD). Also called: Scapuloperoneal syndrome, X-linked (formerly); Humeroperoneal neuromuscular disease, (formerly). Identifiers: Orphanet 261, MedGen C0410189, MONDO:0016830.

Allele frequency attached by ClinVar (database versions not stated): ExAC 0.00002; TOPMed 0.00003; gnomAD 0.00005; gnomAD exomes 0.00006; ESP Exome Variant Server 0.00017.

Submissions (2):

Labcorp Genetics (formerly Invitae), Labcorp
Classification: Uncertain significance for Emery-Dreifuss muscular dystrophy. Last evaluated: 2025-11-13. Review status: criteria provided, single submitter. Criteria: Invitae Variant Classification Sherloc (09022015). Collection method: clinical testing. Allele origin: germline.
Comment: This sequence change replaces phenylalanine, which is neutral and non-polar, with valine, which is neutral and non-polar, at codon 300 of the SUN1 protein (p.Phe300Val). This variant is present in population databases (rs371348168, gnomAD 0.01%). This variant has not been reported in the literature in individuals affected with SUN1-related conditions. ClinVar contains an entry for this variant (Variation ID: 2043216). An algorithm developed to predict the effect of missense changes on protein structure and function (PolyPhen-2) suggests that this variant is likely to be tolerated. In summary, the available evidence is currently insufficient to determine the role of this variant in disease. Therefore, it has been classified as a Variant of Uncertain Significance.

Ambry Genetics
Classification: Uncertain significance. Last evaluated: 2024-05-15. Review status: criteria provided, single submitter. Criteria: Ambry Variant Classification Scheme 2023. Collection method: clinical testing. Allele origin: germline.